The following is an entry in ClinVar:

ClinVar aggregate classification (germline): Uncertain significance (1 of 4 stars; one submission).

Allele frequency attached by ClinVar (database versions not stated): gnomAD 0.00001; gnomAD exomes 0.00001; TOPMed 0.00002.
gnomAD v4.1: 7 of 1,562,928 alleles (0.00045%); highest among the groups gnomAD compares: African/African-American, 0.0014%; no homozygotes.

Submission:

Labcorp Genetics (formerly Invitae), Labcorp
Classification: Uncertain significance. Last evaluated: 2025-01-13. Review status: criteria provided, single submitter. Criteria: Invitae Variant Classification Sherloc (09022015). Collection method: clinical testing. Allele origin: germline.
Comment: This sequence change replaces alanine, which is neutral and non-polar, with valine, which is neutral and non-polar, at codon 365 of the IKZF1 protein (p.Ala365Val). This variant is present in population databases (no rsID available, gnomAD 0.001%). This missense change has been observed in individual(s) with acute lymphoblastic leukemia (PMID: 29681510). ClinVar contains an entry for this variant (Variation ID: 2152035). Algorithms developed to predict the effect of variants on gene product structure and function are not available or were not evaluated for this variant. Experimental studies have shown that this missense change affects IKZF1 function (PMID: 29681510). In summary, the available evidence is currently insufficient to determine the role of this variant in disease. Therefore, it has been classified as a Variant of Uncertain Significance.

Literature cited by the submitters: PubMed 29681510.

NM_006060.6(IKZF1):c.1094C>T (p.Ala365Val)

Gene: IKZF1 (IKAROS family zinc finger 1; plus strand). Cytogenetic location: 7p12.2.
Variant type: single nucleotide variant.
Coding change: c.1094C>T on transcript NM_006060.6 (MANE Select); coding-DNA position 1094, C replaced by T.
Protein change: p.Ala365Val; replaces alanine 365 with valine.
Molecular consequence: missense variant.
Genome position (GRCh38, 1-based): chr7:50,400,161, C>T. VCF-style: chr7-50400161-C-T. GRCh37 (hg19) VCF-style: chr7-50467859-C-T.
Other names: c.968C>T, p.Ala323Val (NM_001220765.3, NM_001291837.2); c.803C>T, p.Ala268Val (NM_001220767.2); c.833C>T, p.Ala278Val (NM_001220768.2, NM_001291838.2); c.677C>T, p.Ala226Val (NM_001220770.2); c.665C>T, p.Ala222Val (NM_001220771.2, NM_001291841.1); c.707C>T, p.Ala236Val (NM_001291839.2); c.404C>T, p.Ala135Val (NM_001291840.1); c.635C>T, p.Ala212Val (NM_001291842.1); and 3 more; short protein forms A170V, A212V, A226V, A180V, A236V, A268V, A323V, A365V.
Identifiers: ClinVar variation 2152035 (VCV002152035.4), dbSNP rs997862665, ClinGen allele CA158198321.
Genomic context (GRCh38, chr7:50,400,161, plus strand): 5'-GCCCGATGTACCAGCTGCACAAGCCGCTCGCGGAGGGCACCCCGCGCTCCAACCACTCGG[C>T]CCAGGACAGCGCCGTGGAGAACCTGCTGCTGCTCTCCAAGGCCAAGTTGGTGCCCTCGGA-3'
Protein context (NP_006051.1, residues 355-375): AEGTPRSNHS[Ala365Val]QDSAVENLLL